The following is an entry in ClinVar:

ClinVar aggregate classification (germline): Uncertain significance. Review status: criteria provided, multiple submitters, no conflicts (2 of 4 stars). 3 submissions from 3 submitters: Uncertain significance (3). Last evaluated 2022-06-05.

Conditions:
Spasticity. Identifiers: MedGen C0026838, HP:0001257.
Polyendocrine-polyneuropathy syndrome (PEPNS). Identifiers: Orphanet 453533, MedGen C4015261, MONDO:0014497, OMIM 616113.

Allele frequency attached by ClinVar (database versions not stated): gnomAD exomes below 0.00001; TOPMed below 0.00001.

Submissions (3):

Labcorp Genetics (formerly Invitae), Labcorp
Classification: Uncertain significance. Last evaluated: 2022-06-05. Review status: criteria provided, single submitter. Criteria: Invitae Variant Classification Sherloc (09022015). Collection method: clinical testing. Allele origin: germline.
Comment: This sequence change replaces lysine, which is basic and polar, with glutamine, which is neutral and polar, at codon 1674 of the DMXL2 protein (p.Lys1674Gln). This variant is present in population databases (no rsID available, gnomAD 0.0009%). This variant has not been reported in the literature in individuals affected with DMXL2-related conditions. ClinVar contains an entry for this variant (Variation ID: 1030274). Algorithms developed to predict the effect of missense changes on protein structure and function are either unavailable or do not agree on the potential impact of this missense change (SIFT: "Deleterious"; PolyPhen-2: "Probably Damaging"; Align-GVGD: "Class C0"). Algorithms developed to predict the effect of sequence changes on RNA splicing suggest that this variant may create or strengthen a splice site. In summary, the available evidence is currently insufficient to determine the role of this variant in disease. Therefore, it has been classified as a Variant of Uncertain Significance.

Baylor Genetics
Classification: Uncertain significance for Polyendocrine-polyneuropathy syndrome. Last evaluated: 2020-01-03. Review status: criteria provided, single submitter. Criteria: ACMG Guidelines, 2015. Collection method: clinical testing. Allele origin: unknown. Affected: yes.
Comment: This variant was determined to be of uncertain significance according to ACMG Guidelines, 2015 [PMID:25741868].

Department of Biochemistry, Faculty of Medicine, University of Khartoum
Classification: Uncertain significance for Spasticity. Review status: criteria provided, single submitter. Criteria: ACMG Guidelines, 2015. Collection method: research. Allele origin: biparental. Affected: yes. Observed: 2 variant alleles.
Comment: The two patients presented with spastic limbs. One had seizures and intellectual disability. No deafness.

NM_001378457.1(DMXL2):c.5020A>C (p.Lys1674Gln)

Gene: DMXL2 (Dmx like 2; minus strand). Cytogenetic location: 15q21.2.
Variant type: single nucleotide variant.
Coding change: c.5020A>C on transcript NM_001378457.1 (MANE Select); coding-DNA position 5020, A replaced by C.
Protein change: p.Lys1674Gln; replaces lysine 1674 with glutamine.
Molecular consequence: missense variant. On other transcripts: non-coding transcript variant (2).
Genome position (GRCh38, 1-based): chr15:51,488,579, T>G on the plus strand (A>C on the coding strand, the complement: DMXL2 is on the minus strand). VCF-style: chr15-51488579-T-G. GRCh37 (hg19) VCF-style: chr15-51780776-T-G.
Other names: c.5020A>C, p.Lys1674Gln (NM_001174116.3, NM_001378458.1, NM_001378459.1 and 4 more transcripts); c.3112A>C, p.Lys1038Gln (NM_001174117.3); c.3001A>C, p.Lys1001Gln (NM_001378460.1); c.4780A>C, p.Lys1594Gln (NM_001378464.1); short protein forms K1594Q, K1674Q, K1001Q, K1038Q.
Identifiers: ClinVar variation 1030274 (VCV001030274.5), dbSNP rs1438220307, ClinGen allele CA392427906.